The following is an entry in ClinVar:

ClinVar aggregate classification (germline): Uncertain significance. Review status: criteria provided, single submitter (1 of 4 stars). 2 submissions from 2 submitters: Uncertain significance (1). 1 of the submissions does not count toward it. Last evaluated 2019-04-01.

Conditions:
TERT-related disorder. Also called: TERT-related condition; TERT-related disorders.

Submissions (2):

Mayo Clinic Laboratories, Mayo Clinic
Classification: Uncertain significance. Last evaluated: 2019-04-01. Review status: criteria provided, single submitter. Criteria: ACMG Guidelines, 2015. Collection method: clinical testing. Allele origin: germline. Observed: 1 variant allele.

PreventionGenetics, part of Exact Sciences
Classification: Uncertain significance for TERT-related condition. Last evaluated: 2024-02-23. Review status: no assertion criteria provided. Collection method: clinical testing. Allele origin: germline. Not counted in ClinVar's aggregate classification.
Comment: The TERT c.286G>A variant is predicted to result in the amino acid substitution p.Val96Met. To our knowledge, this variant has not been reported in the literature or in a large population database, indicating this variant is rare. A different substitution affecting the same amino acid (p.Val96Leu) has been reported in two members from one family with aplastic anemia and short telomere and segregated with the disorder in this family (Aspesi et al 2010. PubMed ID: 20658629). At this time, the clinical significance of this variant is uncertain due to the absence of conclusive functional and genetic evidence.

NM_198253.3(TERT):c.286G>A (p.Val96Met)

Gene: TERT (telomerase reverse transcriptase; minus strand). Cytogenetic location: 5p15.33.
Variant type: single nucleotide variant.
Coding change: c.286G>A on transcript NM_198253.3 (MANE Select); coding-DNA position 286, G replaced by A.
Protein change: p.Val96Met; replaces valine 96 with methionine.
Molecular consequence: missense variant. On other transcripts: non-coding transcript variant (2).
Genome position (GRCh38, 1-based): chr5:1,294,600, C>T on the plus strand (G>A on the coding strand, the complement: TERT is on the minus strand). VCF-style: chr5-1294600-C-T. GRCh37 (hg19) VCF-style: chr5-1294715-C-T.
Other names: c.286G>A, p.Val96Met (NM_001193376.3); short protein forms V96M.
Identifiers: ClinVar variation 1163256 (VCV001163256.7), dbSNP rs2126690679, ClinGen allele CA359058491.